The following is an entry in ClinVar:

ClinVar aggregate classification (germline): Uncertain significance (1 of 4 stars; one submission).

Submission:

Labcorp Genetics (formerly Invitae), Labcorp
Classification: Uncertain significance. Last evaluated: 2023-11-28. Review status: criteria provided, single submitter. Criteria: Invitae Variant Classification Sherloc (09022015). Collection method: clinical testing. Allele origin: germline.
Comment: This sequence change replaces serine, which is neutral and polar, with arginine, which is basic and polar, at codon 326 of the ATP13A3 protein (p.Ser326Arg). This variant is not present in population databases (gnomAD no frequency). This variant has not been reported in the literature in individuals affected with ATP13A3-related conditions. Advanced modeling of protein sequence and biophysical properties (such as structural, functional, and spatial information, amino acid conservation, physicochemical variation, residue mobility, and thermodynamic stability) performed at Invitae indicates that this missense variant is expected to disrupt ATP13A3 protein function with a positive predictive value of 80%. In summary, the available evidence is currently insufficient to determine the role of this variant in disease. Therefore, it has been classified as a Variant of Uncertain Significance.

NM_001367549.1(ATP13A3):c.976A>C (p.Ser326Arg)

Gene: ATP13A3 (ATPase 13A3; minus strand). Cytogenetic location: 3q29.
Variant type: single nucleotide variant.
Coding change: c.976A>C on transcript NM_001367549.1 (MANE Select); coding-DNA position 976, A replaced by C.
Protein change: p.Ser326Arg; replaces serine 326 with arginine.
Molecular consequence: missense variant. On other transcripts: non-coding transcript variant (2).
Genome position (GRCh38, 1-based): chr3:194,448,631, T>G on the plus strand (A>C on the coding strand, the complement: ATP13A3 is on the minus strand). VCF-style: chr3-194448631-T-G. GRCh37 (hg19) VCF-style: chr3-194169360-T-G.
Other names: c.895A>C, p.Ser299Arg (NM_001374836.1); c.976A>C, p.Ser326Arg (NM_024524.4); short protein forms S299R, S326R.
Identifiers: ClinVar variation 2699394 (VCV002699394.3), dbSNP rs1226148366, ClinGen allele CA355811710.